The following is an entry in ClinVar:

NM_016592.5(GNAS):c.412G>A (p.Glu138Lys)

Genes: GNAS (GNAS complex locus; plus strand), GNAS-AS1 (GNAS antisense RNA 1; minus strand). Cytogenetic location: 20q13.32.
Variant type: single nucleotide variant.
Coding change: c.412G>A on transcript NM_016592.5 (MANE Plus Clinical); coding-DNA position 412, G replaced by A.
Protein change: p.Glu138Lys; replaces glutamic acid 138 with lysine.
Molecular consequence: missense variant. On other transcripts: 5 prime UTR variant (1).
Genome position (GRCh38, 1-based): chr20:58,840,518, G>A. VCF-style: chr20-58840518-G-A. GRCh37 (hg19) VCF-style: chr20-57415573-G-A.
Other names: c.-326G>A (NM_001410912.1); short protein forms E138K.
Identifiers: ClinVar variation 2634122 (VCV002634122.6), dbSNP rs201438798, ClinGen allele CA9926326.

ClinVar aggregate classification (germline): Uncertain significance. Review status: criteria provided, multiple submitters, no conflicts (2 of 4 stars). 2 submissions from 2 submitters: Uncertain significance (2). Last evaluated 2026-10-03.

Conditions:
GNAS-related disorder. Identifiers: MedGen CN380105.

Allele frequency attached by ClinVar (database versions not stated): 1000 Genomes Project 0.00020; 1000 Genomes Project 30x 0.00031; TOPMed 0.00003; gnomAD 0.00002; ExAC 0.00008.
gnomAD v4.1: 61 of 1,613,562 alleles (0.0038%); highest among the groups gnomAD compares: Middle Eastern, 0.016%; no homozygotes.

Submissions (2):

GeneDx
Classification: Uncertain significance. Last evaluated: 2026-10-03. Review status: criteria provided, single submitter. Criteria: GeneDx Variant Classification Process June 2021. Collection method: clinical testing. Allele origin: germline.
Comment: In silico analysis supports that this missense variant has a deleterious effect on protein structure/function; Reported using an alternate transcript of the gene; Has not been previously published as pathogenic or benign to our knowledge

PreventionGenetics, part of Exact Sciences
Classification: Uncertain significance for GNAS-related condition. Last evaluated: 2026-07-14. Review status: criteria provided, single submitter. Criteria: ACMG Guidelines, 2015. Collection method: clinical testing. Allele origin: germline.
Comment: The GNAS c.412G>A variant is predicted to result in the amino acid substitution p.Glu138Lys. Of note, in the more commonly reported isoform (NM_000516.5) this variant is located in a non-coding DNA region (c.-51209G>A). To our knowledge, this variant has not been reported in the literature. This variant is reported in 0.023% of alleles in individuals of Latino descent in gnomAD. Although we suspect that this variant may be benign, at this time, the clinical significance of this variant is uncertain due to the absence of conclusive functional and genetic evidence.